The following is an entry in ClinVar:

NM_000182.5(HADHA):c.2146+1G>A

Genes: GAREM2 (GRB2 associated regulator of MAPK1 subtype 2; plus strand), HADHA (hydroxyacyl-CoA dehydrogenase trifunctional multienzyme complex subunit alpha; minus strand). Cytogenetic location: 2p23.3.
Variant type: single nucleotide variant.
Coding change: c.2146+1G>A on transcript NM_000182.5 (MANE Select); the canonical splice donor site of the intron after coding-DNA position 2146, G replaced by A.
Molecular consequence: splice donor variant.
Genome position (GRCh38, 1-based): chr2:26,191,482, C>T on the plus strand (G>A on the coding strand, the complement: HADHA is on the minus strand). VCF-style: chr2-26191482-C-T. GRCh37 (hg19) VCF-style: chr2-26414351-C-T.
Identifiers: ClinVar variation 194917 (VCV000194917.11), dbSNP rs794727219, ClinGen allele CA201440.
Genomic context (GRCh38, chr2:26,191,482, plus strand): 5'-AAGGAGACGCAACACGGGCTCCAGGCTAAAGTGAGCTTCCTTCCCAACCTGCGAGACCAA[C>T]CTCCCAGACAAGGCGGGAAGCCAAGCCCAAAGACGGCTCCGATGTCTCCCTCTGCAGGTG-3'

ClinVar aggregate classification (germline): Pathogenic/Likely pathogenic. Review status: criteria provided, multiple submitters, no conflicts (2 of 4 stars). 5 submissions from 5 submitters: Pathogenic (3); Likely pathogenic (1). 1 of the submissions does not count toward it. Last evaluated 2023-12-17.

Conditions:
HADHA-related disorder. Also called: HADHA-related condition; HADHA-related disorders.
Long chain 3-hydroxyacyl-CoA dehydrogenase deficiency. Also called: Deficiency of long-chain 3-hydroxyacyl-coenzyme A dehydrogenase; LCHAD Deficiency. Identifiers: Orphanet 5, MedGen C3711645, MONDO:0012173, OMIM 609016.
Mitochondrial trifunctional protein deficiency. Identifiers: Orphanet 746, MedGen C1969443, MONDO:0012172.

Allele frequency attached by ClinVar (database versions not stated): gnomAD exomes below 0.00001.
gnomAD v4.1: 5 of 1,614,186 alleles (0.00031%); highest among the groups gnomAD compares: Non-Finnish European, 0.00042%; no homozygotes.

Submissions (5):

Baylor Genetics
Classification: Pathogenic for Long chain 3-hydroxyacyl-CoA dehydrogenase deficiency. Last evaluated: 2023-12-17. Review status: criteria provided, single submitter. Criteria: ACMG Guidelines, 2015. Collection method: clinical testing. Allele origin: unknown.

Labcorp Genetics (formerly Invitae), Labcorp
Classification: Pathogenic for Mitochondrial trifunctional protein deficiency; Long chain 3-hydroxyacyl-CoA dehydrogenase deficiency. Last evaluated: 2023-07-13. Review status: criteria provided, single submitter. Criteria: Invitae Variant Classification Sherloc (09022015). Collection method: clinical testing. Allele origin: germline.
Comment: This variant disrupts a region of the HADHA protein in which other variant(s) (p.Thr745Serfs*8) have been determined to be pathogenic (Invitae). This suggests that this is a clinically significant region of the protein, and that variants that disrupt it are likely to be disease-causing. For these reasons, this variant has been classified as Pathogenic. This sequence change affects a donor splice site in intron 19 of the HADHA gene. While this variant is not anticipated to result in nonsense mediated decay, it likely alters RNA splicing and results in a disrupted protein product. This variant is not present in population databases (gnomAD no frequency). This variant has not been reported in the literature in individuals affected with HADHA-related conditions. ClinVar contains an entry for this variant (Variation ID: 194917). Variants that disrupt the consensus splice site are a relatively common cause of aberrant splicing (PMID: 17576681, 9536098). Algorithms developed to predict the effect of sequence changes on RNA splicing suggest that this variant may disrupt the consensus splice site.

Blueprint Genetics
Classification: Likely pathogenic for HADHA-related disorders. Last evaluated: 2021-03-24. Review status: criteria provided, single submitter. Criteria: ACMG Guidelines, 2015. Collection method: clinical testing. Allele origin: germline. Affected: yes. Observed: 1 variant allele.

Eurofins Ntd Llc (ga)
Classification: Pathogenic. Last evaluated: 2014-07-15. Review status: criteria provided, single submitter. Criteria: EGL Classification Definitions 2015. Collection method: clinical testing. Allele origin: germline. Observed: 2 variant alleles, 2 heterozygotes.

Counsyl
Classification: Likely pathogenic for Long chain 3-hydroxyacyl-CoA dehydrogenase deficiency. Last evaluated: 2017-04-04. Review status: no assertion criteria provided. Collection method: clinical testing. Allele origin: unknown. Not counted in ClinVar's aggregate classification.

Literature cited by the submitters: PubMed 17576681 (cited by Labcorp Genetics (formerly Invitae), Labcorp); PubMed 9536098 (cited by Labcorp Genetics (formerly Invitae), Labcorp).